The following is an entry in ClinVar:

ClinVar aggregate classification (germline): Uncertain significance (1 of 4 stars; one submission).

Conditions:
Fanconi anemia (FA). Also called: Fanconi's anemia. Identifiers: Orphanet 84, MedGen C0015625, MeSH D005199, MONDO:0019391.

Allele frequency attached by ClinVar (database versions not stated): gnomAD 0.00001; ExAC 0.00002; gnomAD exomes 0.00002; TOPMed 0.00005; ESP Exome Variant Server 0.00008.

Submission:

Labcorp Genetics (formerly Invitae), Labcorp
Classification: Uncertain significance for Fanconi anemia. Last evaluated: 2022-06-24. Review status: criteria provided, single submitter. Criteria: Invitae Variant Classification Sherloc (09022015). Collection method: clinical testing. Allele origin: germline.
Comment: This sequence change replaces arginine, which is basic and polar, with tryptophan, which is neutral and slightly polar, at codon 154 of the SLX4 protein (p.Arg154Trp). This variant is present in population databases (rs141639275, gnomAD 0.005%). This variant has not been reported in the literature in individuals affected with SLX4-related conditions. ClinVar contains an entry for this variant (Variation ID: 854813). Algorithms developed to predict the effect of missense changes on protein structure and function output the following: SIFT: "Tolerated"; PolyPhen-2: "Benign"; Align-GVGD: "Class C0". The tryptophan amino acid residue is found in multiple mammalian species, which suggests that this missense change does not adversely affect protein function. In summary, the available evidence is currently insufficient to determine the role of this variant in disease. Therefore, it has been classified as a Variant of Uncertain Significance.

NM_032444.4(SLX4):c.460C>T (p.Arg154Trp)

Gene: SLX4 (SLX4 structure-specific endonuclease subunit; minus strand). Cytogenetic location: 16p13.3.
Variant type: single nucleotide variant.
Coding change: c.460C>T on transcript NM_032444.4 (MANE Select); coding-DNA position 460, C replaced by T.
Protein change: p.Arg154Trp; replaces arginine 154 with tryptophan.
Molecular consequence: missense variant.
Genome position (GRCh38, 1-based): chr16:3,608,505, G>A on the plus strand (C>T on the coding strand, the complement: SLX4 is on the minus strand). VCF-style: chr16-3608505-G-A. GRCh37 (hg19) VCF-style: chr16-3658506-G-A.
Other names: short protein forms R154W.
Identifiers: ClinVar variation 854813 (VCV000854813.7), dbSNP rs141639275, ClinGen allele CA7866867.